The following is an entry in ClinVar:

ClinVar aggregate classification (germline): Conflicting classifications of pathogenicity. Review status: criteria provided, conflicting classifications (1 of 4 stars). 3 submissions from 3 submitters: Uncertain significance (2); Likely benign (1). Last evaluated 2026-02-17.

Conditions:
KIF11-related disorder. Also called: KIF11-related condition.

Allele frequency attached by ClinVar (database versions not stated): ExAC 0.00002; gnomAD exomes 0.00002; gnomAD 0.00004; ESP Exome Variant Server 0.00015.
gnomAD v4.1: 16 of 1,604,580 alleles (0.001%); highest among the groups gnomAD compares: Admixed American, 0.0017%; no homozygotes.

Submissions (3):

PreventionGenetics, part of Exact Sciences
Classification: Uncertain significance for KIF11-related condition. Last evaluated: 2026-02-17. Review status: criteria provided, single submitter. Criteria: ACMG Guidelines, 2015. Collection method: clinical testing. Allele origin: germline.
Comment: The KIF11 c.455C>T variant is predicted to result in the amino acid substitution p.Thr152Ile. To our knowledge, this variant has not been reported in the literature. This variant is present in 0.0047% of alleles in individuals of European (Non-Finnish) descent in gnomAD. At this time, the clinical significance of this variant is uncertain due to the absence of conclusive functional and genetic evidence.

Labcorp Genetics (formerly Invitae), Labcorp
Classification: Likely benign. Last evaluated: 2025-12-03. Review status: criteria provided, single submitter. Criteria: Invitae Variant Classification Sherloc (09022015). Collection method: clinical testing. Allele origin: germline.

Genetic Services Laboratory, University of Chicago
Classification: Uncertain significance. Last evaluated: 2017-10-13. Review status: criteria provided, single submitter. Criteria: ACMG Guidelines, 2015. Collection method: clinical testing. Allele origin: germline. Affected: no.

NM_004523.4(KIF11):c.455C>T (p.Thr152Ile)

Gene: KIF11 (kinesin family member 11; plus strand). Cytogenetic location: 10q23.33.
Variant type: single nucleotide variant.
Coding change: c.455C>T on transcript NM_004523.4 (MANE Select); coding-DNA position 455, C replaced by T.
Protein change: p.Thr152Ile; replaces threonine 152 with isoleucine.
Molecular consequence: missense variant.
Genome position (GRCh38, 1-based): chr10:92,609,087, C>T. VCF-style: chr10-92609087-C-T. GRCh37 (hg19) VCF-style: chr10-94368844-C-T.
Other names: short protein forms T152I.
Identifiers: ClinVar variation 1062666 (VCV001062666.13), dbSNP rs140534766, ClinGen allele CA5604012.
Genomic context (GRCh38, chr10:92,609,087, plus strand): 5'-TGGCTGGTATAATTCCACGTACCCTTCATCAAATTTTTGAGAAACTTACTGATAATGGTA[C>T]TGAATTTTCAGTCAAAGTGTCTCTGTTGGAGATCTATAATGAAGAGCTTTTTGATCTTCT-3'
Protein context (NP_004514.2, residues 142-162): QIFEKLTDNG[Thr152Ile]EFSVKVSLLE